The following is an entry in ClinVar:

ClinVar aggregate classification (germline): Uncertain significance. Review status: criteria provided, multiple submitters, no conflicts (2 of 4 stars). 2 submissions from 2 submitters: Uncertain significance (2). Last evaluated 2024-12-16.

Allele frequency attached by ClinVar (database versions not stated): 1000 Genomes Project 30x 0.00016; gnomAD 0.00018; 1000 Genomes Project 0.00020; ESP Exome Variant Server 0.00023.
gnomAD v4.1: 48 of 1,613,984 alleles (0.003%); highest among the groups gnomAD compares: African/African-American, 0.052%; no homozygotes.

Submissions (2):

Labcorp Genetics (formerly Invitae), Labcorp
Classification: Uncertain significance. Last evaluated: 2024-12-16. Review status: criteria provided, single submitter. Criteria: Invitae Variant Classification Sherloc (09022015). Collection method: clinical testing. Allele origin: germline.
Comment: This sequence change replaces serine, which is neutral and polar, with cysteine, which is neutral and slightly polar, at codon 29 of the TXN2 protein (p.Ser29Cys). This variant is present in population databases (rs142583599, gnomAD 0.06%), and has an allele count higher than expected for a pathogenic variant. This variant has not been reported in the literature in individuals affected with TXN2-related conditions. ClinVar contains an entry for this variant (Variation ID: 2220795). An algorithm developed to predict the effect of missense changes on protein structure and function outputs the following: PolyPhen-2: "Benign". The cysteine amino acid residue is found in multiple mammalian species, which suggests that this missense change does not adversely affect protein function. In summary, the available evidence is currently insufficient to determine the role of this variant in disease. Therefore, it has been classified as a Variant of Uncertain Significance.

Ambry Genetics
Classification: Uncertain significance. Last evaluated: 2021-08-02. Review status: criteria provided, single submitter. Criteria: Ambry Variant Classification Scheme 2023. Collection method: clinical testing. Allele origin: germline.

NM_012473.4(TXN2):c.86C>G (p.Ser29Cys)

Gene: TXN2 (thioredoxin 2; minus strand). Cytogenetic location: 22q12.3.
Variant type: single nucleotide variant.
Coding change: c.86C>G on transcript NM_012473.4 (MANE Select); coding-DNA position 86, C replaced by G.
Protein change: p.Ser29Cys; replaces serine 29 with cysteine.
Molecular consequence: missense variant.
Genome position (GRCh38, 1-based): chr22:36,480,752, G>C on the plus strand (C>G on the coding strand, the complement: TXN2 is on the minus strand). VCF-style: chr22-36480752-G-C. GRCh37 (hg19) VCF-style: chr22-36876799-G-C.
Other names: c.86C>G (NM_012473.3); short protein forms S29C.
Identifiers: ClinVar variation 2220795 (VCV002220795.7), dbSNP rs142583599, ClinGen allele CA10210904.